The following is an entry in ClinVar:

ClinVar aggregate classification (germline): Likely benign. Review status: criteria provided, multiple submitters, no conflicts (2 of 4 stars). 5 submissions from 5 submitters: Likely benign (3). 2 of the submissions do not count toward it. Last evaluated 2026-01-27.

Allele frequency attached by ClinVar (database versions not stated): ExAC 0.00046; gnomAD exomes 0.00051 and 0.00064; 1000 Genomes Project 0.00060; gnomAD 0.00063 and 0.00064; ESP Exome Variant Server 0.00069; TOPMed 0.00074; 1000 Genomes Project 30x 0.00094.
gnomAD v4.1: 1,011 of 1,614,038 alleles (0.063%); highest among the groups gnomAD compares: Admixed American, 0.16%; no homozygotes.

Submissions (5):

Labcorp Genetics (formerly Invitae), Labcorp
Classification: Likely benign. Last evaluated: 2026-01-27. Review status: criteria provided, single submitter. Criteria: Invitae Variant Classification Sherloc (09022015). Collection method: clinical testing. Allele origin: germline.

Mayo Clinic Laboratories, Mayo Clinic
Classification: Likely benign. Last evaluated: 2025-03-31. Review status: criteria provided, single submitter. Criteria: ACMG Guidelines, 2015. Collection method: clinical testing. Allele origin: germline. Observed: 2 variant alleles.
Comment: BP4, BP7

Blueprint Genetics
Classification: Likely benign. Last evaluated: 2024-11-13. Review status: criteria provided, single submitter. Criteria: ACMG Guidelines, 2015. Collection method: clinical testing. Allele origin: germline.

Clinical Genetics DNA and cytogenetics Diagnostics Lab, Erasmus MC, Erasmus Medical Center
Classification: Likely benign. Review status: no assertion criteria provided. Collection method: clinical testing. Allele origin: germline. Affected: yes. Study: VKGL Data-share Consensus. Not counted in ClinVar's aggregate classification.

Genome Diagnostics Laboratory, University Medical Center Utrecht
Classification: Likely benign. Review status: no assertion criteria provided. Collection method: clinical testing. Allele origin: germline. Affected: yes. Study: VKGL Data-share Consensus. Not counted in ClinVar's aggregate classification.

NM_033004.4(NLRP1):c.3654C>A (p.Leu1218=)

Gene: NLRP1 (NLR family pyrin domain containing 1; minus strand). Cytogenetic location: 17p13.2.
Variant type: single nucleotide variant.
Coding change: c.3654C>A on transcript NM_033004.4 (MANE Select); coding-DNA position 3654, C replaced by A.
Protein change: p.Leu1218=; no amino-acid change (leucine 1218 retained).
Molecular consequence: synonymous variant.
Genome position (GRCh38, 1-based): chr17:5,521,653, G>T on the plus strand (C>A on the coding strand, the complement: NLRP1 is on the minus strand). VCF-style: chr17-5521653-G-T. GRCh37 (hg19) VCF-style: chr17-5424973-G-T.
Other names: p.Leu1218=; c.3666C>A, p.Leu1222= (NM_001033053.3); c.3654C>A, p.Leu1218= (NM_014922.5); c.3564C>A, p.Leu1188= (NM_033006.4, NM_033007.4).
Identifiers: ClinVar variation 720852 (VCV000720852.15), dbSNP rs138536037, ClinGen allele CA8326771.